The following is an entry in ClinVar:

NM_001164760.2(PRKAR1B):c.695G>A (p.Arg232Gln)

Gene: PRKAR1B (protein kinase cAMP-dependent type I regulatory subunit beta; minus strand). Cytogenetic location: 7p22.3.
Variant type: single nucleotide variant.
Coding change: c.695G>A on transcript NM_001164760.2 (MANE Select); coding-DNA position 695, G replaced by A.
Protein change: p.Arg232Gln; replaces arginine 232 with glutamine.
Molecular consequence: missense variant.
Genome position (GRCh38, 1-based): chr7:596,159, C>T on the plus strand (G>A on the coding strand, the complement: PRKAR1B is on the minus strand). VCF-style: chr7-596159-C-T. GRCh37 (hg19) VCF-style: chr7-635796-C-T.
Other names: c.695G>A, p.Arg232Gln (NM_001164758.2, NM_001164759.1, NM_001164761.2 and 2 more transcripts); short protein forms R232Q.
Identifiers: ClinVar variation 4980983 (VCV004980983.1).

ClinVar aggregate classification (germline): Likely benign (1 of 4 stars; one submission).

Conditions:
PRKAR1B-related disorder. Also called: PRKAR1B-related condition.

gnomAD v4.1: 378 of 1,613,580 alleles (0.023%); highest among the groups gnomAD compares: Admixed American, 0.047%; no homozygotes.

Submission:

PreventionGenetics, part of Exact Sciences
Classification: Likely benign for PRKAR1B-related condition. Last evaluated: 2026-06-09. Review status: criteria provided, single submitter. Criteria: ACMG Guidelines, 2015. Collection method: clinical testing. Allele origin: germline.
Comment: This variant is classified as likely benign based on ACMG/AMP sequence variant interpretation guidelines (Richards et al. 2015 PMID: 25741868, with internal and published modifications).